The following is an entry in ClinVar:

ClinVar aggregate classification (germline): Uncertain significance (1 of 4 stars; one submission).

Conditions:
Niemann-Pick disease, type C2 (NPC2). Identifiers: Orphanet 646, MedGen C1843366, MONDO:0011873, OMIM 607625.

gnomAD v4.1: 8 of 1,613,906 alleles (0.0005%); highest among the groups gnomAD compares: Non-Finnish European, 0.00068%; no homozygotes.

Submission:

Labcorp Genetics (formerly Invitae), Labcorp
Classification: Uncertain significance for Niemann-Pick disease, type C2. Last evaluated: 2021-09-02. Review status: criteria provided, single submitter. Criteria: Invitae Variant Classification Sherloc (09022015). Collection method: clinical testing. Allele origin: germline.
Comment: This sequence change replaces glutamic acid with aspartic acid at codon 127 of the NPC2 protein (p.Glu127Asp). The glutamic acid residue is moderately conserved and there is a small physicochemical difference between glutamic acid and aspartic acid. This variant is not present in population databases (ExAC no frequency). This variant has not been reported in the literature in individuals affected with NPC2-related conditions. Algorithms developed to predict the effect of missense changes on protein structure and function (SIFT, PolyPhen-2, Align-GVGD) all suggest that this variant is likely to be tolerated. In summary, the available evidence is currently insufficient to determine the role of this variant in disease. Therefore, it has been classified as a Variant of Uncertain Significance.

NM_006432.5(NPC2):c.381G>C (p.Glu127Asp)

Gene: NPC2 (NPC intracellular cholesterol transporter 2; minus strand). Cytogenetic location: 14q24.3.
Variant type: single nucleotide variant.
Coding change: c.381G>C on transcript NM_006432.5 (MANE Select); coding-DNA position 381, G replaced by C.
Protein change: p.Glu127Asp; replaces glutamic acid 127 with aspartic acid.
Molecular consequence: missense variant. On other transcripts: intron variant (1).
Genome position (GRCh38, 1-based): chr14:74,480,762, C>G on the plus strand (G>C on the coding strand, the complement: NPC2 is on the minus strand). VCF-style: chr14-74480762-C-G. GRCh37 (hg19) VCF-style: chr14-74947465-C-G.
Other names: c.381G>C, p.Glu127Asp (NM_001363688.1); c.364-474G>C (NM_001375440.1); short protein forms E127D.
Identifiers: ClinVar variation 1400726 (VCV001400726.6), dbSNP rs1412520435, ClinGen allele CA390531923.